The following is an entry in ClinVar:

ClinVar aggregate classification (germline): Uncertain significance. Review status: criteria provided, multiple submitters, no conflicts (2 of 4 stars). 3 submissions from 3 submitters: Uncertain significance (3). Last evaluated 2025-12-21.

Conditions:
Inborn genetic diseases. Identifiers: MedGen C0950123, MeSH D030342.

Allele frequency attached by ClinVar (database versions not stated): gnomAD exomes 0.00002 and 0.00003; ExAC 0.00003; gnomAD 0.00007; TOPMed 0.00007; ESP Exome Variant Server 0.00015.
gnomAD v4.1: 58 of 1,614,046 alleles (0.0036%); highest among the groups gnomAD compares: Admixed American, 0.012%; no homozygotes.

Submissions (3):

Labcorp Genetics (formerly Invitae), Labcorp
Classification: Uncertain significance. Last evaluated: 2025-12-21. Review status: criteria provided, single submitter. Criteria: Invitae Variant Classification Sherloc (09022015). Collection method: clinical testing. Allele origin: germline.
Comment: This sequence change replaces valine, which is neutral and non-polar, with isoleucine, which is neutral and non-polar, at codon 54 of the CDHR1 protein (p.Val54Ile). This variant is present in population databases (rs138967568, gnomAD 0.009%). This variant has not been reported in the literature in individuals affected with CDHR1-related conditions. ClinVar contains an entry for this variant (Variation ID: 1004486). Invitae Evidence Modeling of protein sequence and biophysical properties (such as structural, functional, and spatial information, amino acid conservation, physicochemical variation, residue mobility, and thermodynamic stability) indicates that this missense variant is not expected to disrupt CDHR1 protein function with a negative predictive value of 80%. In summary, the available evidence is currently insufficient to determine the role of this variant in disease. Therefore, it has been classified as a Variant of Uncertain Significance.

Blueprint Genetics
Classification: Uncertain significance. Last evaluated: 2024-01-18. Review status: criteria provided, single submitter. Criteria: ACMG Guidelines, 2015. Collection method: clinical testing. Allele origin: germline.

Ambry Genetics
Classification: Uncertain significance for Inborn genetic diseases. Last evaluated: 2021-10-18. Review status: criteria provided, single submitter. Criteria: Ambry Variant Classification Scheme 2023. Collection method: clinical testing. Allele origin: germline.

NM_033100.4(CDHR1):c.160G>A (p.Val54Ile)

Gene: CDHR1 (cadherin related family member 1; plus strand). Cytogenetic location: 10q23.1.
Variant type: single nucleotide variant.
Coding change: c.160G>A on transcript NM_033100.4 (MANE Select); coding-DNA position 160, G replaced by A.
Protein change: p.Val54Ile; replaces valine 54 with isoleucine.
Molecular consequence: missense variant.
Genome position (GRCh38, 1-based): chr10:84,196,513, G>A. VCF-style: chr10-84196513-G-A. GRCh37 (hg19) VCF-style: chr10-85956269-G-A.
Other names: c.160G>A (NM_033100.2); c.160G>A, p.Val54Ile (NM_001171971.3); short protein forms V54I.
Identifiers: ClinVar variation 1004486 (VCV001004486.9), dbSNP rs138967568, ClinGen allele CA5579451.